The following is an entry in ClinVar:

ClinVar aggregate classification (germline): Pathogenic/Likely pathogenic. Review status: criteria provided, multiple submitters, no conflicts (2 of 4 stars). 18 submissions from 17 submitters: Pathogenic (13); Likely pathogenic (1). 4 of the submissions do not count toward it. Last evaluated 2025-12-23.

Conditions:
CNGA3-related disorders.
CNGA3-related disorder. Also called: CNGA3-related condition.
Retinal dystrophy. Also called: Inherited retinal dystrophy. Identifiers: Orphanet 71862, MedGen C0854723, MeSH D058499, MONDO:0019118, HP:0000556.
Achromatopsia. Also called: Rod monochromatism. Identifiers: Orphanet 49382, MedGen C0152200, MONDO:0018852, HP:0011516.
Achromatopsia 2 (ACHM2). Also called: COLORBLINDNESS, TOTAL; ROD MONOCHROMACY 2; ROD MONOCHROMATISM 2. Identifiers: Orphanet 49382, MedGen C1857618, MONDO:0009003, OMIM 216900.
Macular degeneration. Also called: Degenerative disorder of macula. Identifiers: MedGen C0024437, MONDO:0003004, HP:0000608.
Color vision defect. Identifiers: MedGen C0234629, HP:0000551.
Photophobia. Identifiers: MedGen C0085636, HP:0000613.
Optic atrophy. Identifiers: MedGen C0029124, MONDO:0003608, HP:0000648.

Allele frequency attached by ClinVar (database versions not stated): gnomAD exomes 0.00005 and 0.00010; gnomAD 0.00007; TOPMed 0.00008; ExAC 0.00012.

Submissions (18):

Labcorp Genetics (formerly Invitae), Labcorp
Classification: Pathogenic. Last evaluated: 2025-12-23. Review status: criteria provided, single submitter. Criteria: Invitae Variant Classification Sherloc (09022015). Collection method: clinical testing. Allele origin: germline.
Comment: This sequence change replaces arginine, which is basic and polar, with cysteine, which is neutral and slightly polar, at codon 277 of the CNGA3 protein (p.Arg277Cys). This variant is present in population databases (rs104893620, gnomAD 0.02%). This missense change has been observed in individuals with achromatopsia and cone dystrophy (PMID: 11536077). ClinVar contains an entry for this variant (Variation ID: 9481). Invitae Evidence Modeling of protein sequence and biophysical properties (such as structural, functional, and spatial information, amino acid conservation, physicochemical variation, residue mobility, and thermodynamic stability) indicates that this missense variant is expected to disrupt CNGA3 protein function with a positive predictive value of 95%. Experimental studies have shown that this missense change affects CNGA3 function (PMID: 20238023). This variant disrupts the p.Arg277 amino acid residue in CNGA3. Other variant(s) that disrupt this residue have been determined to be pathogenic (PMID: 11536077, 17693388, 26992781). This suggests that this residue is clinically significant, and that variants that disrupt this residue are likely to be disease-causing. For these reasons, this variant has been classified as Pathogenic.

PreventionGenetics, part of Exact Sciences
Classification: Pathogenic for CNGA3-related condition. Last evaluated: 2025-03-31. Review status: criteria provided, single submitter. Criteria: ACMG Guidelines, 2015. Collection method: clinical testing. Allele origin: germline.
Comment: The CNGA3 c.829C>T variant is predicted to result in the amino acid substitution p.Arg277Cys. This variant has been reported in multiple individuals with CNGA3-related retinal disease (for examples see: Wissinger et al. 2001. PubMed ID: 11536077; Georgiou et al. 2019. PubMed ID: 30682209). Other variants impacting this amino acid position have been reported in individuals with CNGA3-related retinal disease (p.Arg277Gly, Koeppen et al. 2010. PubMed ID: 20506298; p.Arg277His, Wissinger et al. 2001. PubMed ID: 11536077). The p.Arg277Cys variant has been reported to reduce channel conduction and membrane localization of CNGA3 (Muraki-Oda et al. 2007. PubMed ID: 17693388; Lopez-Rodriguez and Holmgren. 2012. PubMed ID: 23082193). This variant is reported in 0.016% of alleles in individuals of South Asian descent in gnomAD. This variant is interpreted as pathogenic.

Dasa
Classification: Pathogenic. Last evaluated: 2025-03-20. Review status: criteria provided, single submitter. Criteria: DASA Assertion Criteria. Collection method: clinical testing. Allele origin: germline.
Comment: NM_001298.3(CNGA3):c.829C>T (p.Arg277Cys) is a missense variant that results in the substitution of arginine with cysteine. The affected residue or protein region has prior evidence supporting clinical relevance. This variant has been observed in affected individuals with related phenotype in a genotype context consistent with recessive disease (PMID: 11536077). Functional evidence supports a deleterious effect on the gene or gene product (PMID: 11536077). This variant has been reported in individuals with related phenotype (PMID: 11536077). Multiple computational predictions support a deleterious effect on the gene or gene product. The variant is present at low frequency in population datasets. Based on the available data, this variant is classified as pathogenic.

GeneDx
Classification: Pathogenic. Last evaluated: 2025-03-07. Review status: criteria provided, single submitter. Criteria: GeneDx Variant Classification Process June 2021. Collection method: clinical testing. Allele origin: germline. Affected: yes.
Comment: Published functional studies demonstrate a damaging effect as R277C impaired channel activity compared to wild type CNGA3 (PMID: 17693388); In silico analysis supports that this missense variant has a deleterious effect on protein structure/function; This variant is associated with the following publications: (PMID: 20238023, 36833446, 31964843, 34321860, 21912902, 14736794, 14757870, 15712225, 16961972, 18521937, 31589614, 31429209, 32531858, 37734845, 15743887, 21911670, 26992781, 19592100, 24049715, 18445228, 23082193, 30682209, 30653986, 30418171, 31456290, 35119454, 34449556, 11536077, 17693388)

Blueprint Genetics
Classification: Pathogenic for CNGA3-related disorders. Last evaluated: 2024-10-09. Review status: criteria provided, single submitter. Criteria: ACMG Guidelines, 2015. Collection method: clinical testing. Allele origin: germline. Affected: yes. Observed: 5 variant alleles.

3billion
Classification: Pathogenic for Achromatopsia 2. Last evaluated: 2024-08-16. Review status: criteria provided, single submitter. Criteria: ACMG Guidelines, 2015. Collection method: clinical testing. Allele origin: germline. Affected: yes.
Comment: The variant is observed at an extremely low frequency in the gnomAD v4.0.0 dataset (total allele frequency: 0.006%). Predicted Consequence/Location: Missense variant In silico tool predictions suggest damaging effect of the variant on gene or gene product [REVEL: 0.95 (>=0.6, sensitivity 0.68 and specificity 0.92); 3Cnet: 0.77 (>=0.6, sensitivity 0.72 and precision 0.9)]. The same nucleotide change resulting in the same amino acid change has been previously reported as pathogenic/likely pathogenic with strong evidence (ClinVar ID: VCV000009481 /PMID: 11536077 /3billion dataset). The variant has been reported to be in trans with a pathogenic variant as either compound heterozygous or homozygous in at least 4 similarly affected unrelated individuals (PMID: 18521937). Different missense changes at the same codon (p.Arg277Gly, p.Arg277His) have been reported as pathogenic/likely pathogenic with strong evidence (ClinVar ID: VCV000800983 /PMID: 11536077, 20506298). Therefore, this variant is classified as Pathogenic according to the recommendation of ACMG/AMP guideline.

Institute of Human Genetics, Univ. Regensburg, Univ. Regensburg
Classification: Pathogenic for Optic atrophy. Last evaluated: 2023-01-01. Review status: criteria provided, single submitter. Criteria: ACMG Guidelines, 2015. Collection method: clinical testing. Allele origin: germline. Affected: yes.

Institute of Human Genetics, Univ. Regensburg, Univ. Regensburg
Classification: Pathogenic for Retinal dystrophy. Last evaluated: 2023-01-01. Review status: criteria provided, single submitter. Criteria: ACMG Guidelines, 2015. Collection method: clinical testing. Allele origin: germline. Affected: yes.

Mendelics
Classification: Pathogenic for Achromatopsia 2. Last evaluated: 2022-05-04. Review status: criteria provided, single submitter. Criteria: Mendelics Assertion Criteria 2019. Collection method: clinical testing. Allele origin: germline.

Fulgent Genetics
Classification: Pathogenic for Achromatopsia 2. Last evaluated: 2022-02-25. Review status: criteria provided, single submitter. Criteria: ACMG Guidelines, 2015. Collection method: clinical testing. Allele origin: unknown.

Baylor Genetics
Classification: Pathogenic for Achromatopsia 2. Last evaluated: 2020-07-09. Review status: criteria provided, single submitter. Criteria: ACMG Guidelines, 2015. Collection method: clinical testing. Allele origin: unknown. Affected: yes.
Comment: This variant was determined to be pathogenic according to ACMG Guidelines, 2015 [PMID:25741868].

CeGaT Center for Human Genetics Tuebingen
Classification: Pathogenic. Last evaluated: 2018-05-01. Review status: criteria provided, single submitter. Criteria: CeGaT Center For Human Genetics Tuebingen Variant Classification Criteria Version 2. Collection method: clinical testing. Allele origin: germline. Affected: yes. Observed: 3 variant alleles.

Molecular Genetics Laboratory, Institute for Ophthalmic Research
Classification: Pathogenic for Achromatopsia. Last evaluated: 2018-03-20. Review status: criteria provided, single submitter. Criteria: ACMG Guidelines, 2015. Collection method: research. Allele origin: germline. Affected: yes.

Centre for Mendelian Genomics, University Medical Centre Ljubljana
Classification: Likely pathogenic for Color vision defect; Macular degeneration; Photophobia. Last evaluated: 2017-01-01. Review status: criteria provided, single submitter. Criteria: ACMG Guidelines, 2015. Collection method: clinical testing. Allele origin: unknown. Affected: yes.

Sharon lab, Hadassah-Hebrew University Medical Center
Classification: Pathogenic for achromatopsia. Last evaluated: 2019-06-23. Review status: no assertion criteria provided. Collection method: research. Allele origin: inherited. Affected: yes. Not counted in ClinVar's aggregate classification.

OMIM
Classification: Pathogenic for ACHROMATOPSIA 2. Last evaluated: 2001-10-01. Review status: no assertion criteria provided. Collection method: literature only. Allele origin: germline. Not counted in ClinVar's aggregate classification.

Clinical Genetics, Academic Medical Center
Classification: Pathogenic. Review status: no assertion criteria provided. Collection method: clinical testing. Allele origin: germline. Affected: yes. Study: VKGL Data-share Consensus. Not counted in ClinVar's aggregate classification.

Joint Genome Diagnostic Labs from Nijmegen and Maastricht, Radboudumc and MUMC+
Classification: Pathogenic. Review status: no assertion criteria provided. Collection method: clinical testing. Allele origin: germline. Affected: yes. Study: VKGL Data-share Consensus. Not counted in ClinVar's aggregate classification.

Literature cited by the submitters: PubMed 11536077 (cited by 5 submitters); PubMed 20238023 (cited by Labcorp Genetics (formerly Invitae), Labcorp and Institute of Human Genetics, Univ. Regensburg, Univ. Regensburg); PubMed 17693388 (cited by Labcorp Genetics (formerly Invitae), Labcorp and Institute of Human Genetics, Univ. Regensburg, Univ. Regensburg); PubMed 26992781 (cited by Labcorp Genetics (formerly Invitae), Labcorp and Institute of Human Genetics, Univ. Regensburg, Univ. Regensburg); PubMed 18521937 (cited by 3billion); PubMed 15743887 (cited by Institute of Human Genetics, Univ. Regensburg, Univ. Regensburg); PubMed 21911670 (cited by Institute of Human Genetics, Univ. Regensburg, Univ. Regensburg); PubMed 23082193 (cited by Institute of Human Genetics, Univ. Regensburg, Univ. Regensburg); PubMed 30418171 (cited by Institute of Human Genetics, Univ. Regensburg, Univ. Regensburg); PubMed 31589614 (cited by Institute of Human Genetics, Univ. Regensburg, Univ. Regensburg); PubMed 30682209 (cited by Institute of Human Genetics, Univ. Regensburg, Univ. Regensburg); PubMed 30653986 (cited by Institute of Human Genetics, Univ. Regensburg, Univ. Regensburg); PubMed 31964843 (cited by Institute of Human Genetics, Univ. Regensburg, Univ. Regensburg); PubMed 31429209 (cited by Institute of Human Genetics, Univ. Regensburg, Univ. Regensburg); PubMed 31456290 (cited by Institute of Human Genetics, Univ. Regensburg, Univ. Regensburg); PubMed 32531858 (cited by Institute of Human Genetics, Univ. Regensburg, Univ. Regensburg); PubMed 34449556 (cited by Institute of Human Genetics, Univ. Regensburg, Univ. Regensburg); PubMed 35119454 (cited by Institute of Human Genetics, Univ. Regensburg, Univ. Regensburg); PubMed 36833446 (cited by Institute of Human Genetics, Univ. Regensburg, Univ. Regensburg).

NM_001298.3(CNGA3):c.829C>T (p.Arg277Cys)

Gene: CNGA3 (cyclic nucleotide gated channel subunit alpha 3; plus strand). Cytogenetic location: 2q11.2.
Variant type: single nucleotide variant.
Coding change: c.829C>T on transcript NM_001298.3 (MANE Select); coding-DNA position 829, C replaced by T.
Protein change: p.Arg277Cys; replaces arginine 277 with cysteine.
Molecular consequence: missense variant.
Genome position (GRCh38, 1-based): chr2:98,395,999, C>T. VCF-style: chr2-98395999-C-T. GRCh37 (hg19) VCF-style: chr2-99012462-C-T.
Other names: c.775C>T, p.Arg259Cys (NM_001079878.2); short protein forms R277C, R259C.
Identifiers: ClinVar variation 9481 (VCV000009481.62), dbSNP rs104893620, ClinGen allele CA254827.